The following is an entry in ClinVar:

NM_002234.4(KCNA5):c.309C>T (p.Gly103=)

Gene: KCNA5 (potassium voltage-gated channel subfamily A member 5; plus strand). Cytogenetic location: 12p13.32.
Variant type: single nucleotide variant.
Coding change: c.309C>T on transcript NM_002234.4 (MANE Select); coding-DNA position 309, C replaced by T.
Protein change: p.Gly103=; no amino-acid change (glycine 103 retained).
Molecular consequence: synonymous variant.
Genome position (GRCh38, 1-based): chr12:5,044,456, C>T. VCF-style: chr12-5044456-C-T. GRCh37 (hg19) VCF-style: chr12-5153622-C-T.
Identifiers: ClinVar variation 1275636 (VCV001275636.3), dbSNP rs1415470235, ClinGen allele CA478095084.

ClinVar aggregate classification (germline): Conflicting classifications of pathogenicity. Review status: criteria provided, conflicting classifications (1 of 4 stars). 2 submissions from 2 submitters: Uncertain significance (1); Benign (1). Last evaluated 2024-04-11.

Conditions:
Atrial fibrillation, familial, 7 (ATFB7). Identifiers: MedGen C2677106, MONDO:0012828, OMIM 612240.

Allele frequency attached by ClinVar (database versions not stated): gnomAD 0.00001; gnomAD exomes 0.00001.
gnomAD v4.1: 20 of 1,610,862 alleles (0.0012%); highest among the groups gnomAD compares: Non-Finnish European, 0.0017%; no homozygotes.

Submissions (2):

Labcorp Genetics (formerly Invitae), Labcorp
Classification: Uncertain significance for Atrial fibrillation, familial, 7. Last evaluated: 2024-04-11. Review status: criteria provided, single submitter. Criteria: Invitae Variant Classification Sherloc (09022015). Collection method: clinical testing. Allele origin: germline.
Comment: This sequence change affects codon 103 of the KCNA5 mRNA. It is a 'silent' change, meaning that it does not change the encoded amino acid sequence of the KCNA5 protein. This variant is present in population databases (no rsID available, gnomAD 0.002%). This variant has not been reported in the literature in individuals affected with KCNA5-related conditions. ClinVar contains an entry for this variant (Variation ID: 1275636). In summary, the available evidence is currently insufficient to determine the role of this variant in disease. Therefore, it has been classified as a Variant of Uncertain Significance.

GeneDx
Classification: Benign. Last evaluated: 2021-08-03. Review status: criteria provided, single submitter. Criteria: GeneDx Variant Classification Process June 2021. Collection method: clinical testing. Allele origin: germline. Affected: yes.